The following is an entry in ClinVar:

NM_000426.4(LAMA2):c.4544G>T (p.Gly1515Val)

Gene: LAMA2 (laminin subunit alpha 2; plus strand). Cytogenetic location: 6q22.33.
Variant type: single nucleotide variant.
Coding change: c.4544G>T on transcript NM_000426.4 (MANE Select); coding-DNA position 4544, G replaced by T.
Protein change: p.Gly1515Val; replaces glycine 1515 with valine.
Molecular consequence: missense variant.
Genome position (GRCh38, 1-based): chr6:129,353,184, G>T. VCF-style: chr6-129353184-G-T. GRCh37 (hg19) VCF-style: chr6-129674329-G-T.
Other names: p.Gly1515Val; c.4544G>T, p.Gly1515Val (NM_001079823.2); short protein forms G1515V.
Identifiers: ClinVar variation 862328 (VCV000862328.8), dbSNP rs370406703, ClinGen allele CA146910079.
Genomic context (GRCh38, chr6:129,353,184, plus strand): 5'-TGCTATTAACCTCTTTTGCTTTGTCACTGTTTCAATTCAGGTGTGCCCCTGGCTATACTG[G>T]CAGTCCAGGCAACCCTGGAGGCTCCTGCCAAGAATGTGAGTGTGATCCCTATGGCTCACT-3'
Protein context (NP_000417.3, residues 1505-1525): YCERCAPGYT[Gly1515Val]SPGNPGGSCQ

ClinVar aggregate classification (germline): Uncertain significance. Review status: criteria provided, multiple submitters, no conflicts (2 of 4 stars). 3 submissions from 3 submitters: Uncertain significance (3). Last evaluated 2025-06-05.

Conditions:
LAMA2-related muscular dystrophy (LAMA2-RD). Also called: Laminin alpha 2-related dystrophy. Identifiers: MedGen C5679788, MONDO:0100228.

Allele frequency attached by ClinVar (database versions not stated): gnomAD exomes below 0.00001; gnomAD 0.00001; TOPMed 0.00001; ESP Exome Variant Server 0.00008.
gnomAD v4.1: 3 of 1,613,476 alleles (0.00019%); highest among the groups gnomAD compares: Non-Finnish European, 0.00025%; no homozygotes.

Submissions (3):

Women's Health and Genetics/Laboratory Corporation of America, LabCorp
Classification: Uncertain significance. Last evaluated: 2025-06-05. Review status: criteria provided, single submitter. Criteria: LabCorp Variant Classification Summary - May 2015. Collection method: clinical testing. Allele origin: germline.
Comment: Variant summary: LAMA2 c.4544G>T (p.Gly1515Val) results in a non-conservative amino acid change in the encoded protein sequence. Algorithms developed to predict the effect of missense changes on protein structure and function all suggest that this variant is likely to be disruptive. The variant allele was found at a frequency of 4e-06 in 251120 control chromosomes. The available data on variant occurrences in the general population are insufficient to allow any conclusion about variant significance. To our knowledge, no occurrence of c.4544G>T in individuals affected with Merosin deficient congenital muscular dystrophy and no experimental evidence demonstrating its impact on protein function have been reported. ClinVar contains an entry for this variant (Variation ID: 862328). Based on the evidence outlined above, the variant was classified as uncertain significance.

Mayo Clinic Laboratories, Mayo Clinic
Classification: Uncertain significance. Last evaluated: 2022-05-13. Review status: criteria provided, single submitter. Criteria: ACMG Guidelines, 2015. Collection method: clinical testing. Allele origin: germline. Observed: 1 variant allele.
Comment: PP3, PM2

Labcorp Genetics (formerly Invitae), Labcorp
Classification: Uncertain significance for LAMA2-related muscular dystrophy. Last evaluated: 2021-09-01. Review status: criteria provided, single submitter. Criteria: Invitae Variant Classification Sherloc (09022015). Collection method: clinical testing. Allele origin: germline.
Comment: This sequence change replaces glycine with valine at codon 1515 of the LAMA2 protein (p.Gly1515Val). The glycine residue is highly conserved and there is a moderate physicochemical difference between glycine and valine. This variant is not present in population databases (ExAC no frequency). This variant has not been reported in the literature in individuals affected with LAMA2-related conditions. Algorithms developed to predict the effect of missense changes on protein structure and function are either unavailable or do not agree on the potential impact of this missense change (SIFT: "Deleterious"; PolyPhen-2: "Probably Damaging"; Align-GVGD: "Class C0"). Algorithms developed to predict the effect of sequence changes on RNA splicing suggest that this variant may create or strengthen a splice site. In summary, the available evidence is currently insufficient to determine the role of this variant in disease. Therefore, it has been classified as a Variant of Uncertain Significance.